The following is an entry in ClinVar:

NM_000532.5(PCCB):c.763+10C>G

Gene: PCCB (propionyl-CoA carboxylase subunit beta; plus strand). Cytogenetic location: 3q22.3.
Variant type: single nucleotide variant.
Coding change: c.763+10C>G on transcript NM_000532.5 (MANE Select); 10 bases into the intron after coding-DNA position 763, C replaced by G.
Molecular consequence: intron variant.
Genome position (GRCh38, 1-based): chr3:136,293,874, C>G. VCF-style: chr3-136293874-C-G. GRCh37 (hg19) VCF-style: chr3-136012716-C-G.
Other names: c.823+10C>G (NM_001178014.2).
Identifiers: ClinVar variation 523374 (VCV000523374.21), dbSNP rs180982841, ClinGen allele CA2631852.

ClinVar aggregate classification (germline): Conflicting classifications of pathogenicity. Review status: criteria provided, conflicting classifications (1 of 4 stars). 6 submissions from 6 submitters: Uncertain significance (2); Benign (1); Likely benign (1). 2 of the submissions do not count toward it. Last evaluated 2026-01-26.

Conditions:
PCCB-related disorder. Also called: PCCB-related condition.
Global developmental delay (DD). Also called: Cognitive delay. Identifiers: MedGen C0557874, HP:0001263. Disease mechanism: loss of function.
Hyperammonemia. Also called: Hyperammonaemia. Identifiers: MedGen C5574662, HP:0001987.
Propionic acidemia (PROP). Also called: GLYCINEMIA, KETOTIC; HYPERGLYCINEMIA WITH KETOACIDOSIS AND LEUKOPENIA; KETOTIC HYPERGLYCINEMIA. Identifiers: Orphanet 35, MedGen C0268579, MONDO:0011628, OMIM 606054, HP:0003571.

Allele frequency attached by ClinVar (database versions not stated): TOPMed 0.00014; 1000 Genomes Project 30x 0.00016; 1000 Genomes Project 0.00020; ExAC 0.00038; ESP Exome Variant Server 0.00038; gnomAD exomes 0.00046; gnomAD 0.00050 and 0.00054.
gnomAD v4.1: 549 of 1,457,310 alleles (0.038%); highest among the groups gnomAD compares: Middle Eastern, 0.069%; 1 homozygote.

Submissions (6):

Labcorp Genetics (formerly Invitae), Labcorp
Classification: Benign for Propionic acidemia. Last evaluated: 2026-01-26. Review status: criteria provided, single submitter. Criteria: Invitae Variant Classification Sherloc (09022015). Collection method: clinical testing. Allele origin: germline.

Blueprint Genetics
Classification: Likely benign. Last evaluated: 2024-11-22. Review status: criteria provided, single submitter. Criteria: ACMG Guidelines, 2015. Collection method: clinical testing. Allele origin: germline.

Illumina Laboratory Services, Illumina
Classification: Uncertain significance for Propionic acidemia. Last evaluated: 2018-01-13. Review status: criteria provided, single submitter. Criteria: ICSL Variant Classification Criteria 13 December 2019. Collection method: clinical testing. Allele origin: germline.

Centre for Mendelian Genomics, University Medical Centre Ljubljana
Classification: Uncertain significance for Global developmental delay; Hyperammonemia. Last evaluated: 2017-01-01. Review status: criteria provided, single submitter. Criteria: ACMG Guidelines, 2015. Collection method: clinical testing. Allele origin: unknown. Affected: yes.

PreventionGenetics, part of Exact Sciences
Classification: Likely benign for PCCB-related condition. Last evaluated: 2023-10-16. Review status: no assertion criteria provided. Collection method: clinical testing. Allele origin: germline. Not counted in ClinVar's aggregate classification.
Comment: This variant is classified as likely benign based on ACMG/AMP sequence variant interpretation guidelines (Richards et al. 2015 PMID: 25741868, with internal and published modifications).

Natera, Inc.
Classification: Uncertain significance for Propionic acidemia. Last evaluated: 2020-01-05. Review status: no assertion criteria provided. Collection method: clinical testing. Allele origin: germline. Not counted in ClinVar's aggregate classification.